The following is an entry in ClinVar:

NM_003737.4(DCHS1):c.4350G>T (p.Glu1450Asp)

Gene: DCHS1 (dachsous cadherin-related 1; minus strand). Cytogenetic location: 11p15.4.
Variant type: single nucleotide variant.
Coding change: c.4350G>T on transcript NM_003737.4 (MANE Select); coding-DNA position 4350, G replaced by T.
Protein change: p.Glu1450Asp; replaces glutamic acid 1450 with aspartic acid.
Molecular consequence: missense variant.
Genome position (GRCh38, 1-based): chr11:6,630,444, C>A on the plus strand (G>T on the coding strand, the complement: DCHS1 is on the minus strand). VCF-style: chr11-6630444-C-A. GRCh37 (hg19) VCF-style: chr11-6651675-C-A.
Other names: c.4350G>T (NM_003737.2); short protein forms E1450D.
Identifiers: ClinVar variation 1525242 (VCV001525242.10), dbSNP rs758007512, ClinGen allele CA5860347.
Genomic context (GRCh38, chr11:6,630,444, plus strand): 5'-GCTATTGGGGCCGGGGCCGTCGGCGTCCGACGCGCGGAAAGTGTACAGCGCTGCGCCGGG[C>A]TCCGGGTTCTCTGGCAGCGCCAGCGCCAGCGGGTCGCGCGCAAAGGCGGGCGCATGCTCA-3'
Protein context (NP_003728.1, residues 1440-1460): PLALALPENP[Glu1450Asp]PGAALYTFRA

ClinVar aggregate classification (germline): Uncertain significance. Review status: criteria provided, multiple submitters, no conflicts (2 of 4 stars). 2 submissions from 2 submitters: Uncertain significance (2). Last evaluated 2025-08-21.

Conditions:
Inborn genetic diseases. Identifiers: MedGen C0950123, MeSH D030342.

Allele frequency attached by ClinVar (database versions not stated): gnomAD exomes 0.00003.
gnomAD v4.1: 76 of 1,508,982 alleles (0.005%); highest among the groups gnomAD compares: Middle Eastern, 0.018%; no homozygotes.

Submissions (2):

Ambry Genetics
Classification: Uncertain significance for Inborn genetic diseases. Last evaluated: 2025-08-21. Review status: criteria provided, single submitter. Criteria: Ambry Variant Classification Scheme 2023. Collection method: clinical testing. Allele origin: germline.

Labcorp Genetics (formerly Invitae), Labcorp
Classification: Uncertain significance. Last evaluated: 2025-03-24. Review status: criteria provided, single submitter. Criteria: Invitae Variant Classification Sherloc (09022015). Collection method: clinical testing. Allele origin: germline.
Comment: This sequence change replaces glutamic acid, which is acidic and polar, with aspartic acid, which is acidic and polar, at codon 1450 of the DCHS1 protein (p.Glu1450Asp). The frequency data for this variant in the population databases is considered unreliable, as metrics indicate poor data quality at this position in the gnomAD database. This variant has not been reported in the literature in individuals affected with DCHS1-related conditions. ClinVar contains an entry for this variant (Variation ID: 1525242). Invitae Evidence Modeling of protein sequence and biophysical properties (such as structural, functional, and spatial information, amino acid conservation, physicochemical variation, residue mobility, and thermodynamic stability) indicates that this missense variant is not expected to disrupt DCHS1 protein function with a negative predictive value of 80%. In summary, the available evidence is currently insufficient to determine the role of this variant in disease. Therefore, it has been classified as a Variant of Uncertain Significance.